The following is an entry in ClinVar:

ClinVar aggregate classification (germline): Uncertain significance (1 of 4 stars; one submission).

Conditions:
Spondyloenchondrodysplasia with immune dysregulation (SPENCDI). Also called: COMBINED IMMUNODEFICIENCY WITH AUTOIMMUNITY AND SPONDYLOMETAPHYSEAL DYSPLASIA; ROIFMAN IMMUNOSKELETAL SYNDROME; SPONDYLOENCHONDRODYSPLASIA WITH OR WITHOUT IMMUNE DYSREGULATION. Identifiers: Orphanet 1855, MedGen C1842763, MONDO:0011939, OMIM 607944.

Allele frequency attached by ClinVar (database versions not stated): gnomAD 0.00002 and 0.00003; TOPMed 0.00002; ExAC 0.00005; 1000 Genomes Project 30x 0.00016; 1000 Genomes Project 0.00020.

Submission:

Labcorp Genetics (formerly Invitae), Labcorp
Classification: Uncertain significance for Spondyloenchondrodysplasia with immune dysregulation. Last evaluated: 2025-09-02. Review status: criteria provided, single submitter. Criteria: Invitae Variant Classification Sherloc (09022015). Collection method: clinical testing. Allele origin: germline.
Comment: This sequence change replaces valine, which is neutral and non-polar, with methionine, which is neutral and non-polar, at codon 208 of the ACP5 protein (p.Val208Met). This variant is present in population databases (rs535257196, gnomAD 0.005%). This variant has not been reported in the literature in individuals affected with ACP5-related conditions. ClinVar contains an entry for this variant (Variation ID: 1001130). Invitae Evidence Modeling of protein sequence and biophysical properties (such as structural, functional, and spatial information, amino acid conservation, physicochemical variation, residue mobility, and thermodynamic stability) has been performed for this missense variant. However, the output from this modeling did not meet the statistical confidence thresholds required to predict the impact of this variant on ACP5 protein function. Experimental studies have shown that this missense change affects ACP5 function (PMID: 27390188). In summary, the available evidence is currently insufficient to determine the role of this variant in disease. Therefore, it has been classified as a Variant of Uncertain Significance.

Literature cited by the submitters: PubMed 27390188.

NM_001611.5(ACP5):c.622G>A (p.Val208Met)

Gene: ACP5 (acid phosphatase 5, tartrate resistant; minus strand). Cytogenetic location: 19p13.2.
Variant type: single nucleotide variant.
Coding change: c.622G>A on transcript NM_001611.5 (MANE Select); coding-DNA position 622, G replaced by A.
Protein change: p.Val208Met; replaces valine 208 with methionine.
Molecular consequence: missense variant.
Genome position (GRCh38, 1-based): chr19:11,576,356, C>T on the plus strand (G>A on the coding strand, the complement: ACP5 is on the minus strand). VCF-style: chr19-11576356-C-T. GRCh37 (hg19) VCF-style: chr19-11687171-C-T.
Other names: c.622G>A, p.Val208Met (NM_001111034.3, NM_001111035.3, NM_001111036.3 and 1 more transcripts); short protein forms V208M.
Identifiers: ClinVar variation 1001130 (VCV001001130.7), dbSNP rs535257196, ClinGen allele CA9215371.